The following is an entry in ClinVar:

ClinVar aggregate classification (germline): Uncertain significance. Review status: criteria provided, multiple submitters, no conflicts (2 of 4 stars). 4 submissions from 4 submitters: Uncertain significance (4). Last evaluated 2024-03-11.

Conditions:
Multiple mitochondrial dysfunctions syndrome 3 (MMDS3). Identifiers: Orphanet 363424, MedGen C3809165, MONDO:0014132, OMIM 615330.
Hereditary spastic paraplegia 74. Also called: Spastic paraplegia 74, autosomal recessive. Identifiers: Orphanet 468661, MedGen C5568837, MONDO:0014644, OMIM 616451.
Inborn genetic diseases. Identifiers: MedGen C0950123, MeSH D030342.

Allele frequency attached by ClinVar (database versions not stated): gnomAD 0.00001; gnomAD exomes 0.00002; TOPMed 0.00002; ExAC 0.00003.
gnomAD v4.1: 46 of 1,610,116 alleles (0.0029%); highest among the groups gnomAD compares: African/African-American, 0.032%; no homozygotes.

Submissions (4):

Blueprint Genetics
Classification: Uncertain significance. Last evaluated: 2024-03-11. Review status: criteria provided, single submitter. Criteria: ACMG Guidelines, 2015. Collection method: clinical testing. Allele origin: germline.

Labcorp Genetics (formerly Invitae), Labcorp
Classification: Uncertain significance for Multiple mitochondrial dysfunctions syndrome 3; Hereditary spastic paraplegia 74. Last evaluated: 2023-08-17. Review status: criteria provided, single submitter. Criteria: Invitae Variant Classification Sherloc (09022015). Collection method: clinical testing. Allele origin: germline.
Comment: This sequence change replaces alanine, which is neutral and non-polar, with valine, which is neutral and non-polar, at codon 169 of the IBA57 protein (p.Ala169Val). This variant is present in population databases (rs745621556, gnomAD 0.003%). This variant has not been reported in the literature in individuals affected with IBA57-related conditions. ClinVar contains an entry for this variant (Variation ID: 1804483). Advanced modeling of protein sequence and biophysical properties (such as structural, functional, and spatial information, amino acid conservation, physicochemical variation, residue mobility, and thermodynamic stability) performed at Invitae indicates that this missense variant is not expected to disrupt IBA57 protein function. In summary, the available evidence is currently insufficient to determine the role of this variant in disease. Therefore, it has been classified as a Variant of Uncertain Significance.

GeneDx
Classification: Uncertain significance. Last evaluated: 2022-12-15. Review status: criteria provided, single submitter. Criteria: GeneDx Variant Classification Process June 2021. Collection method: clinical testing. Allele origin: germline. Affected: yes.
Comment: Not observed at significant frequency in large population cohorts (gnomAD); In silico analysis supports that this missense variant does not alter protein structure/function; Has not been previously published as pathogenic or benign to our knowledge

Ambry Genetics
Classification: Uncertain significance for Inborn genetic diseases. Last evaluated: 2022-06-03. Review status: criteria provided, single submitter. Criteria: Ambry Variant Classification Scheme 2023. Collection method: clinical testing. Allele origin: germline.

NM_001010867.4(IBA57):c.506C>T (p.Ala169Val)

Gene: IBA57 (iron-sulfur cluster assembly factor IBA57; plus strand). Cytogenetic location: 1q42.13.
Variant type: single nucleotide variant.
Coding change: c.506C>T on transcript NM_001010867.4 (MANE Select); coding-DNA position 506, C replaced by T.
Protein change: p.Ala169Val; replaces alanine 169 with valine.
Molecular consequence: missense variant. On other transcripts: 5 prime UTR variant (1).
Genome position (GRCh38, 1-based): chr1:228,174,856, C>T. VCF-style: chr1-228174856-C-T. GRCh37 (hg19) VCF-style: chr1-228362557-C-T.
Other names: c.-74C>T (NM_001310327.2); short protein forms A169V.
Identifiers: ClinVar variation 1804483 (VCV001804483.6), dbSNP rs745621556, ClinGen allele CA1431170.